The following is an entry in ClinVar:

NM_001330700.2(TOP2B):c.1076_1079del (p.Ile359fs)

Gene: TOP2B (DNA topoisomerase II beta; minus strand). Cytogenetic location: 3p24.2.
Variant type: Deletion.
Coding change: c.1076_1079del on transcript NM_001330700.2 (MANE Select); coding-DNA positions 1076 to 1079, 4 bases deleted (TTGA; older notation c.1076_1079delTTGA).
Protein change: p.Ile359fs; shifts the reading frame from isoleucine 359.
Molecular consequence: frameshift variant.
Genome position (GRCh38, 1-based): chr3:25,632,742-25,632,745, TCAA deleted on the plus strand (TTGA on the coding strand, the reverse complement: TOP2B is on the minus strand); deleting any 4 consecutive bases within chr3:25,632,742-25,632,748 gives the same sequence; the c. name uses the placement nearest the transcript's 3' end. VCF-style (leftmost placement, unchanged base first): chr3-25632741-TTCAA-T. GRCh37 (hg19) VCF-style: chr3-25674232-TTCAA-T.
Other names: c.1061_1064del, p.Ile354fs (NM_001068.3); short protein forms I354fs, I359fs.
Identifiers: ClinVar variation 1951310 (VCV001951310.5), dbSNP rs2470359175, ClinGen allele CA2580069229.
Genomic context (GRCh38, chr3:25,632,741, plus strand): 5'-CACATCCCTTACTTGAAATGGTTTCACTGATACACCAGCTTTGTTCTTTTTCTTAACTAC[TTCAA>T]TCAGTTTACCAACAACTTGATCTACCACATAATCCACGTGCCGTCCACCCTAAAGAAAAA-3'

ClinVar aggregate classification (germline): Uncertain significance (1 of 4 stars; one submission).

Submission:

Labcorp Genetics (formerly Invitae), Labcorp
Classification: Uncertain significance. Last evaluated: 2022-05-13. Review status: criteria provided, single submitter. Criteria: Invitae Variant Classification Sherloc (09022015). Collection method: clinical testing. Allele origin: germline.
Comment: This sequence change creates a premature translational stop signal (p.Ile354Lysfs*2) in the TOP2B gene. It is expected to result in an absent or disrupted protein product. However, the current clinical and genetic evidence is not sufficient to establish whether loss-of-function variants in TOP2B cause disease. This variant is not present in population databases (gnomAD no frequency). This variant has not been reported in the literature in individuals affected with TOP2B-related conditions. In summary, the available evidence is currently insufficient to determine the role of this variant in disease. Therefore, it has been classified as a Variant of Uncertain Significance.